The following is an entry in ClinVar:

ClinVar aggregate classification (germline): Uncertain significance (1 of 4 stars; one submission).

Submission:

GeneDx
Classification: Uncertain significance. Last evaluated: 2024-02-21. Review status: criteria provided, single submitter. Criteria: GeneDx Variant Classification Process June 2021. Collection method: clinical testing. Allele origin: germline. Affected: yes.
Comment: In-frame insertion of 2 amino acids in a non-repeat region; Not observed at significant frequency in large population cohorts (gnomAD); Has not been previously published as pathogenic or benign to our knowledge

NM_181552.4(CUX1):c.2601_2606dup (p.Ser868_Gln869insHisSer)

Gene: CUX1 (cut like homeobox 1; plus strand). Cytogenetic location: 7q22.1.
Variant type: Duplication.
Coding change: c.2601_2606dup on transcript NM_181552.4 (MANE Select); coding-DNA positions 2601 to 2606, 6 bases duplicated (CAGTCA; older notation c.2601_2606dupCAGTCA).
Protein change: p.Ser868_Gln869insHisSer.
Molecular consequence: inframe insertion. On other transcripts: intron variant (5).
Genome position (GRCh38, 1-based): chr7:102,201,898-102,201,903, CAGTCA duplicated. VCF-style (leftmost placement, unchanged base first): chr7-102201897-G-GCAGTCA. GRCh37 (hg19) VCF-style: chr7-101845177-G-GCAGTCA.
Other names: c.2634_2639dup, p.Ser879_Gln880insHisSer (NM_001202543.2); c.1255+6295_1255+6300dup (NM_001913.5); c.1249+6295_1249+6300dup (NM_181500.4); c.1117+6295_1117+6300dup (NM_001202545.3); c.1207+6295_1207+6300dup (NM_001202544.3); c.1138+6295_1138+6300dup (NM_001202546.3).
Identifiers: ClinVar variation 3369323 (VCV003369323.1).